The following is an entry in ClinVar:

NM_002292.4(LAMB2):c.2390C>G (p.Pro797Arg)

Gene: LAMB2 (laminin subunit beta 2; minus strand). Cytogenetic location: 3p21.31.
Variant type: single nucleotide variant.
Coding change: c.2390C>G on transcript NM_002292.4 (MANE Select); coding-DNA position 2390, C replaced by G.
Protein change: p.Pro797Arg; replaces proline 797 with arginine.
Molecular consequence: missense variant.
Genome position (GRCh38, 1-based): chr3:49,125,845, G>C on the plus strand (C>G on the coding strand, the complement: LAMB2 is on the minus strand). VCF-style: chr3-49125845-G-C. GRCh37 (hg19) VCF-style: chr3-49163278-G-C.
Other names: short protein forms P797R.
Identifiers: ClinVar variation 2940003 (VCV002940003.3), dbSNP rs2472543444, ClinGen allele CA352724588.
Genomic context (GRCh38, chr3:49,125,845, plus strand): 5'-GCACAGAGGTCACAGCGGCGCCCAACCACTCCAGGCTTGCACAGGCACTGACCACCATGA[G>C]GGTTGCACTCAGAACTCAGTGAACCTTGAGGGTTGCACTGACATGCTGTGGGGAGGAGGG-3'
Protein context (NP_002283.3, residues 787-807): PQGSLSSECN[Pro797Arg]HGGQCLCKPG

ClinVar aggregate classification (germline): Uncertain significance (1 of 4 stars; one submission).

Conditions:
LAMB2-related infantile-onset nephrotic syndrome. Also called: NEPHROTIC SYNDROME, TYPE 5, WITHOUT OCULAR ABNORMALITIES; NEPHROTIC SYNDROME, TYPE 5, WITH OCULAR ABNORMALITIES; Nephrotic Syndrome, type 5. Identifiers: Orphanet 306507, MedGen C3280113, MONDO:0013621, OMIM 614199.
Pierson syndrome. Also called: MICROCORIA-CONGENITAL NEPHROTIC SYNDROME. Identifiers: Orphanet 2670, MedGen C1836876, MONDO:0012184, OMIM 609049.

Submission:

Labcorp Genetics (formerly Invitae), Labcorp
Classification: Uncertain significance for LAMB2-related infantile-onset nephrotic syndrome; Pierson syndrome. Last evaluated: 2024-02-05. Review status: criteria provided, single submitter. Criteria: Invitae Variant Classification Sherloc (09022015). Collection method: clinical testing. Allele origin: germline.
Comment: This sequence change replaces proline, which is neutral and non-polar, with arginine, which is basic and polar, at codon 797 of the LAMB2 protein (p.Pro797Arg). This variant is not present in population databases (gnomAD no frequency). This variant has not been reported in the literature in individuals affected with LAMB2-related conditions. An algorithm developed to predict the effect of missense changes on protein structure and function (PolyPhen-2) suggests that this variant is likely to be disruptive. In summary, the available evidence is currently insufficient to determine the role of this variant in disease. Therefore, it has been classified as a Variant of Uncertain Significance.